The following is an entry in ClinVar:

ClinVar aggregate classification (germline): Likely benign (1 of 4 stars; one submission).

gnomAD v4.1: 2 of 1,536,706 alleles (0.00013%); highest among the groups gnomAD compares: Non-Finnish European, 0.00017%; no homozygotes.

Submission:

CeGaT Center for Human Genetics Tuebingen
Classification: Likely benign. Last evaluated: 2026-06-01. Review status: criteria provided, single submitter. Criteria: CeGaT Center For Human Genetics Tuebingen Variant Classification Criteria Version 2. Collection method: clinical testing. Allele origin: germline. Affected: yes. Observed: 1 variant allele.
Comment: ZFHX2: BP4, BP7

NM_033400.3(ZFHX2):c.1716G>A (p.Lys572=)

Genes: THTPA (thiamine triphosphatase; plus strand), ZFHX2 (zinc finger homeobox 2; minus strand). Cytogenetic location: 14q11.2.
Variant type: single nucleotide variant.
Coding change: c.1716G>A on transcript NM_033400.3 (MANE Select); coding-DNA position 1716, G replaced by A.
Protein change: p.Lys572=; no amino-acid change (lysine 572 retained).
Molecular consequence: synonymous variant.
Genome position (GRCh38, 1-based): chr14:23,533,610, C>T on the plus strand (G>A on the coding strand, the complement: ZFHX2 is on the minus strand). VCF-style: chr14-23533610-C-T. GRCh37 (hg19) VCF-style: chr14-24002819-C-T.
Identifiers: ClinVar variation 4875082 (VCV004875082.2).